The following is an entry in ClinVar:

ClinVar aggregate classification (germline): Uncertain significance. Review status: criteria provided, multiple submitters, no conflicts (2 of 4 stars). 4 submissions from 4 submitters: Uncertain significance (4). Last evaluated 2025-01-24.

Conditions:
DDX41-related hematologic malignancy predisposition syndrome. Also called: DDX41-Associated Familial Myelodysplastic Syndrome and Acute Myeloid Leukemia; Myeloproliferative/lymphoproliferative neoplasms, familial (multiple types), susceptibility to. Identifiers: Orphanet 488647, MedGen C4225174, MONDO:0014809, OMIM 616871.
Inborn genetic diseases. Identifiers: MedGen C0950123, MeSH D030342.

Allele frequency attached by ClinVar (database versions not stated): gnomAD 0.00002; TOPMed 0.00003.
gnomAD v4.1: 14 of 1,612,554 alleles (0.00087%); highest among the groups gnomAD compares: African/African-American, 0.004%; no homozygotes.

Submissions (4):

Ambry Genetics
Classification: Uncertain significance for Inborn genetic diseases. Last evaluated: 2025-01-24. Review status: criteria provided, single submitter. Criteria: Ambry Variant Classification Scheme 2023. Collection method: clinical testing. Allele origin: germline.
Comment: The p.I298T variant (also known as c.893T>C), located in coding exon 9 of the DDX41 gene, results from a T to C substitution at nucleotide position 893. The isoleucine at codon 298 is replaced by threonine, an amino acid with similar properties. This amino acid position is highly conserved in available vertebrate species. In addition, this alteration is predicted to be tolerated by in silico analysis. Based on the available evidence, the clinical significance of this variant remains unclear.

GeneDx
Classification: Uncertain significance. Last evaluated: 2024-12-21. Review status: criteria provided, single submitter. Criteria: GeneDx Variant Classification Process June 2021. Collection method: clinical testing. Allele origin: germline. Affected: yes.
Comment: Not observed at significant frequency in large population cohorts (gnomAD); In silico analysis supports that this missense variant has a deleterious effect on protein structure/function; This variant is associated with the following publications: (PMID: 27721487, 35671390, 37506341)

Labcorp Genetics (formerly Invitae), Labcorp
Classification: Uncertain significance. Last evaluated: 2024-04-22. Review status: criteria provided, single submitter. Criteria: Invitae Variant Classification Sherloc (09022015). Collection method: clinical testing. Allele origin: germline.
Comment: This sequence change replaces isoleucine, which is neutral and non-polar, with threonine, which is neutral and polar, at codon 298 of the DDX41 protein (p.Ile298Thr). This missense change has been observed in individual(s) with acute myeloid leukemia (PMID: 35671390). In summary, the available evidence is currently insufficient to determine the role of this variant in disease. Therefore, it has been classified as a Variant of Uncertain Significance.

Baylor Genetics
Classification: Uncertain significance for DDX41-related hematologic malignancy predisposition syndrome. Last evaluated: 2024-01-16. Review status: criteria provided, single submitter. Criteria: ACMG Guidelines, 2015. Collection method: clinical testing. Allele origin: unknown.

Literature cited by the submitters: PubMed 35671390 (cited by Labcorp Genetics (formerly Invitae), Labcorp).

NM_016222.4(DDX41):c.893T>C (p.Ile298Thr)

Gene: DDX41 (DEAD-box helicase 41; minus strand). Cytogenetic location: 5q35.3.
Variant type: single nucleotide variant.
Coding change: c.893T>C on transcript NM_016222.4 (MANE Select); coding-DNA position 893, T replaced by C.
Protein change: p.Ile298Thr; replaces isoleucine 298 with threonine.
Molecular consequence: missense variant.
Genome position (GRCh38, 1-based): chr5:177,514,743, A>G on the plus strand (T>C on the coding strand, the complement: DDX41 is on the minus strand). VCF-style: chr5-177514743-A-G. GRCh37 (hg19) VCF-style: chr5-176941744-A-G.
Other names: c.515T>C, p.Ile172Thr (NM_001321732.2, NM_001321830.2); c.893T>C (NM_016222.2); short protein forms I298T, I172T.
Identifiers: ClinVar variation 2820126 (VCV002820126.6), dbSNP rs778667883, ClinGen allele CA3584986.